The following is an entry in ClinVar:

NM_001370298.3(FGD4):c.808G>T (p.Asp270Tyr)

Gene: FGD4 (FYVE, RhoGEF and PH domain containing 4; plus strand). Cytogenetic location: 12p11.21.
Variant type: single nucleotide variant.
Coding change: c.808G>T on transcript NM_001370298.3 (MANE Select); coding-DNA position 808, G replaced by T.
Protein change: p.Asp270Tyr; replaces aspartic acid 270 with tyrosine.
Molecular consequence: missense variant. On other transcripts: 5 prime UTR variant (2), non-coding transcript variant (1), intron variant (1).
Genome position (GRCh38, 1-based): chr12:32,582,264, G>T. VCF-style: chr12-32582264-G-T. GRCh37 (hg19) VCF-style: chr12-32735198-G-T.
Other names: c.652G>T, p.Asp218Tyr (NM_001304481.2); c.-448G>T (NM_001304483.2); c.-755G>T (NM_001304484.2); c.118G>T, p.Asp40Tyr (NM_001330373.2, NM_001330374.2, NM_001384130.1); c.808G>T, p.Asp270Tyr (NM_001384126.1); c.397G>T, p.Asp133Tyr (NM_001384127.1, NM_001384128.1, NM_001384131.1 and 3 more transcripts); c.49-16233G>T (NM_001370297.1); short protein forms D270Y, D133Y, D218Y, D40Y.
Identifiers: ClinVar variation 1906815 (VCV001906815.5), dbSNP rs113416502, ClinGen allele CA384356173.

ClinVar aggregate classification (germline): Uncertain significance (1 of 4 stars; one submission).

Conditions:
Charcot-Marie-Tooth disease type 4. Also called: Charcot-Marie-Tooth disease, type IV; Charcot-Marie-Tooth, Type 4. Identifiers: Orphanet 64749, MedGen C4082197, MONDO:0018995.

Submission:

Labcorp Genetics (formerly Invitae), Labcorp
Classification: Uncertain significance for Charcot-Marie-Tooth disease type 4. Last evaluated: 2025-02-24. Review status: criteria provided, single submitter. Criteria: Invitae Variant Classification Sherloc (09022015). Collection method: clinical testing. Allele origin: germline.
Comment: This sequence change replaces aspartic acid, which is acidic and polar, with tyrosine, which is neutral and polar, at codon 133 of the FGD4 protein (p.Asp133Tyr). This variant is not present in population databases (gnomAD no frequency). This variant has not been reported in the literature in individuals affected with FGD4-related conditions. ClinVar contains an entry for this variant (Variation ID: 1906815). Invitae Evidence Modeling of protein sequence and biophysical properties (such as structural, functional, and spatial information, amino acid conservation, physicochemical variation, residue mobility, and thermodynamic stability) indicates that this missense variant is expected to disrupt FGD4 protein function with a positive predictive value of 80%. In summary, the available evidence is currently insufficient to determine the role of this variant in disease. Therefore, it has been classified as a Variant of Uncertain Significance.